The following is an entry in ClinVar:

ClinVar aggregate classification (germline): Likely benign. Review status: criteria provided, multiple submitters, no conflicts (2 of 4 stars). 4 submissions from 4 submitters: Likely benign (4). Last evaluated 2023-04-03.

Conditions:
Hereditary cancer-predisposing syndrome. Also called: Neoplastic Syndromes, Hereditary; Hereditary neoplastic syndrome; Hereditary Cancer Syndrome; Tumor predisposition. Identifiers: Orphanet 140162, MedGen C0027672, MeSH D009386, MONDO:0015356.
Breast-ovarian cancer, familial, susceptibility to, 1 (BROVCA1). Also called: BRCA1 Hereditary Breast and Ovarian Cancer; OVARIAN CANCER, SUSCEPTIBILITY TO. Identifiers: Orphanet 145, MedGen C2676676, MONDO:0011450, OMIM 604370. Disease mechanism: loss of function.
Hereditary breast ovarian cancer syndrome. Also called: Hereditary breast and ovarian cancer syndrome; Breast and ovarian cancer; Hereditary breast and ovarian cancer syndrome (HBOC); Hereditary breast and/or ovarian cancer syndrome; BRCA1- and BRCA2-Associated Hereditary Breast and Ovarian Cancer; Hereditary breast and ovarian cancer. Identifiers: Orphanet 145, MedGen C0677776, MeSH D061325, MONDO:0003582. Disease mechanism: loss of function.

Submissions (4):

All of Us Research Program, National Institutes of Health
Classification: Likely benign for Breast-ovarian cancer, familial, susceptibility to, 1. Last evaluated: 2023-04-03. Review status: criteria provided, single submitter. Criteria: ACMG Guidelines, 2015. Collection method: clinical testing. Allele origin: germline. Inheritance: Autosomal dominant inheritance. Observed: 2 variant alleles, 2 heterozygotes.
Comment: This study involves interpretation of variants in research participants for the purpose of population health screening. Participant phenotype was not available at the time of variant classification. Additional details can be found in publication PMID: 35346344, PMCID: PMC8962531

Labcorp Genetics (formerly Invitae), Labcorp
Classification: Likely benign for Hereditary breast ovarian cancer syndrome. Last evaluated: 2022-08-16. Review status: criteria provided, single submitter. Criteria: Invitae Variant Classification Sherloc (09022015). Collection method: clinical testing. Allele origin: germline.

Ambry Genetics
Classification: Likely benign for Hereditary cancer-predisposing syndrome. Last evaluated: 2020-11-16. Review status: criteria provided, single submitter. Criteria: Ambry Variant Classification Scheme 2023. Collection method: clinical testing. Allele origin: germline.

GeneDx
Classification: Likely benign. Last evaluated: 2015-11-06. Review status: criteria provided, single submitter. Criteria: GeneDx Variant Classification (06012015). Collection method: clinical testing. Allele origin: germline. Affected: yes.
Comment: This variant is considered likely benign or benign based on one or more of the following criteria: it is a conservative change, it occurs at a poorly conserved position in the protein, it is predicted to be benign by multiple in silico algorithms, and/or has population frequency not consistent with disease.

NM_007294.4(BRCA1):c.3021A>G (p.Ser1007=)

Gene: BRCA1 (BRCA1 DNA repair associated; minus strand). Cytogenetic location: 17q21.31.
Variant type: single nucleotide variant.
Coding change: c.3021A>G on transcript NM_007294.4 (MANE Select); coding-DNA position 3021, A replaced by G.
Protein change: p.Ser1007=; no amino-acid change (serine 1007 retained).
Molecular consequence: synonymous variant. On other transcripts: intron variant (137).
Genome position (GRCh38, 1-based): chr17:43,092,510, T>C on the plus strand (A>G on the coding strand, the complement: BRCA1 is on the minus strand). VCF-style: chr17-43092510-T-C. GRCh37 (hg19) VCF-style: chr17-41244527-T-C.
Other names: c.2808A>G, p.Ser936= (NM_001407571.1, NM_001407853.1, NM_001407894.1 and 9 more transcripts); c.3021A>G, p.Ser1007= (NM_001407581.1, NM_001407582.1, NM_001407583.1 and 30 more transcripts); c.3018A>G, p.Ser1006= (NM_001407587.1, NM_001407590.1, NM_001407591.1 and 22 more transcripts); c.788-1478A>G (NM_001407974.1, NM_001407973.1, NM_001408403.1 and 17 more transcripts); c.788-371A>G (NM_001407969.1, NM_001407968.1); c.578-1478A>G (NM_001408492.1, NM_001408513.1, NM_001408489.1 and 9 more transcripts); c.644-1478A>G (NM_001408468.1, NM_001408465.1, NM_001408463.1 and 3 more transcripts); c.524-1478A>G (NM_001408501.1, NM_001408500.1, NM_001408497.1 and 3 more transcripts); and 41 more.
Identifiers: ClinVar variation 381350 (VCV000381350.14), dbSNP rs1057521025, ClinGen allele CA16607618.
Genomic context (GRCh38, chr17:43,092,510, plus strand): 5'-GCTAATTGTGCTCACTGTACTTGGAATGTTCTCATTTCCCATTTCTCTTTCAGGTGACAT[T>C]GAATGTTCCTCAAAGTTTTCCTCTAGCAGATTTTTCTTACATTTAGTTTTAACAAATGAC-3'
Protein context (NP_009225.1, residues 997-1017): NLLEENFEEH[Ser1007=]MSPEREMGNE